The following is an entry in ClinVar:

ClinVar aggregate classification (germline): Uncertain significance. Review status: criteria provided, multiple submitters, no conflicts (2 of 4 stars). 2 submissions from 2 submitters: Uncertain significance (2). Last evaluated 2026-08-06.

Allele frequency attached by ClinVar (database versions not stated): ExAC 0.00003; gnomAD exomes 0.00003; TOPMed 0.00003; gnomAD 0.00005.
gnomAD v4.1: 48 of 1,612,950 alleles (0.003%); highest among the groups gnomAD compares: Non-Finnish European, 0.004%; no homozygotes.

Submissions (2):

OLLIN Analises Genomicas, OLLIN
Classification: Uncertain significance. Last evaluated: 2026-08-06. Review status: criteria provided, single submitter. Criteria: ACMG Guidelines 2015 PMID 25741868. Collection method: clinical testing. Allele origin: germline.
Comment: This missense variant, located in exon 7 (of 20), has been reported in ClinVar (accession VCV002370454.2) and in gnomAD with an allele frequency of 0.003%. However, to our knowledge, it has not been reported in the scientific literature. In silico analysis predicts that this variant has a deleterious effect. According to the currently available evidence, this variant has been classified as uncertain significance (PM2_P, PP3_M).

Ambry Genetics
Classification: Uncertain significance. Last evaluated: 2021-06-21. Review status: criteria provided, single submitter. Criteria: Ambry Variant Classification Scheme 2023. Collection method: clinical testing. Allele origin: germline.

NM_001098672.2(HEPHL1):c.1357C>T (p.His453Tyr)

Gene: HEPHL1 (hephaestin like 1; plus strand). Cytogenetic location: 11q21.
Variant type: single nucleotide variant.
Coding change: c.1357C>T on transcript NM_001098672.2 (MANE Select); coding-DNA position 1357, C replaced by T.
Protein change: p.His453Tyr; replaces histidine 453 with tyrosine.
Molecular consequence: missense variant.
Genome position (GRCh38, 1-based): chr11:94,073,149, C>T. VCF-style: chr11-94073149-C-T. GRCh37 (hg19) VCF-style: chr11-93806315-C-T.
Other names: short protein forms H453Y.
Identifiers: ClinVar variation 2370454 (VCV002370454.3), dbSNP rs769195557, ClinGen allele CA6233221.